The following is an entry in ClinVar:

ClinVar aggregate classification (germline): Uncertain significance. Review status: criteria provided, multiple submitters, no conflicts (2 of 4 stars). 2 submissions from 2 submitters: Uncertain significance (2). Last evaluated 2025-09-24.

Allele frequency attached by ClinVar (database versions not stated): gnomAD exomes 0.00001.
gnomAD v4.1: 13 of 1,272,752 alleles (0.001%); highest among the groups gnomAD compares: Non-Finnish European, 0.00098%; no homozygotes.

Submissions (2):

Women's Health and Genetics/Laboratory Corporation of America, LabCorp
Classification: Uncertain significance. Last evaluated: 2025-09-24. Review status: criteria provided, single submitter. Criteria: LabCorp Variant Classification Summary - May 2015. Collection method: clinical testing. Allele origin: germline.
Comment: Variant summary: ARID1B c.1306G>A (p.Gly436Ser) results in a non-conservative amino acid change in the encoded protein sequence. Algorithms developed to predict the effect of missense changes on protein structure and function are either unavailable or do not agree on the potential impact of this missense change. The frequency data for this variant in gnomAD is considered unreliable, as metrics indicate poor data quality at this position. To our knowledge, no occurrence of c.1306G>A in individuals affected with ARID1B-related conditions and no experimental evidence demonstrating its impact on protein function have been reported. ClinVar contains an entry for this variant (Variation ID: 2181533). Based on the evidence outlined above, the variant was classified as uncertain significance.

Labcorp Genetics (formerly Invitae), Labcorp
Classification: Uncertain significance. Last evaluated: 2022-09-14. Review status: criteria provided, single submitter. Criteria: Invitae Variant Classification Sherloc (09022015). Collection method: clinical testing. Allele origin: germline.
Comment: In summary, the available evidence is currently insufficient to determine the role of this variant in disease. Therefore, it has been classified as a Variant of Uncertain Significance. Algorithms developed to predict the effect of missense changes on protein structure and function are either unavailable or do not agree on the potential impact of this missense change (SIFT: "Deleterious"; PolyPhen-2: "Not Available"; Align-GVGD: "Class C0"). This variant has not been reported in the literature in individuals affected with ARID1B-related conditions. The frequency data for this variant in the population databases is considered unreliable, as metrics indicate insufficient coverage at this position in the gnomAD database. This sequence change replaces glycine, which is neutral and non-polar, with serine, which is neutral and polar, at codon 353 of the ARID1B protein (p.Gly353Ser).

NM_001374828.1(ARID1B):c.1306G>A (p.Gly436Ser)

Gene: ARID1B (AT-rich interaction domain 1B; plus strand). Cytogenetic location: 6q25.3.
Variant type: single nucleotide variant.
Coding change: c.1306G>A on transcript NM_001374828.1 (MANE Select); coding-DNA position 1306, G replaced by A.
Protein change: p.Gly436Ser; replaces glycine 436 with serine.
Molecular consequence: missense variant.
Genome position (GRCh38, 1-based): chr6:156,778,986, G>A. VCF-style: chr6-156778986-G-A. GRCh37 (hg19) VCF-style: chr6-157100120-G-A.
Other names: c.1057G>A, p.Gly353Ser (NM_001346813.1, NM_020732.3); c.1306G>A, p.Gly436Ser (NM_001371656.1, NM_001374820.1, NM_017519.3); c.883G>A, p.Gly295Ser (NM_175863.2); short protein forms G353S, G295S, G436S.
Identifiers: ClinVar variation 2181533 (VCV002181533.5), dbSNP rs2114992755, ClinGen allele CA366383929.